The following is an entry in ClinVar:

NM_001197104.2(KMT2A):c.8336A>G (p.Asn2779Ser)

Gene: KMT2A (lysine methyltransferase 2A; plus strand). Cytogenetic location: 11q23.3.
Variant type: single nucleotide variant.
Coding change: c.8336A>G on transcript NM_001197104.2 (MANE Select); coding-DNA position 8336, A replaced by G.
Protein change: p.Asn2779Ser; replaces asparagine 2779 with serine.
Molecular consequence: missense variant.
Genome position (GRCh38, 1-based): chr11:118,504,228, A>G. VCF-style: chr11-118504228-A-G. GRCh37 (hg19) VCF-style: chr11-118374943-A-G.
Other names: c.8426A>G, p.Asn2809Ser (NM_001412597.1); c.8327A>G, p.Asn2776Ser (NM_005933.4); short protein forms N2779S, N2809S, N2776S.
Identifiers: ClinVar variation 1944853 (VCV001944853.6), dbSNP rs1473735619, ClinGen allele CA382812962.

ClinVar aggregate classification (germline): Uncertain significance. Review status: criteria provided, multiple submitters, no conflicts (2 of 4 stars). 2 submissions from 2 submitters: Uncertain significance (2). Last evaluated 2022-12-20.

Allele frequency attached by ClinVar (database versions not stated): TOPMed below 0.00001; gnomAD 0.00001.
gnomAD v4.1: 3 of 1,614,062 alleles (0.00019%); highest among the groups gnomAD compares: Non-Finnish European, 0.00025%; no homozygotes.

Submissions (2):

Labcorp Genetics (formerly Invitae), Labcorp
Classification: Uncertain significance. Last evaluated: 2022-12-20. Review status: criteria provided, single submitter. Criteria: Invitae Variant Classification Sherloc (09022015). Collection method: clinical testing. Allele origin: germline.
Comment: Advanced modeling of protein sequence and biophysical properties (such as structural, functional, and spatial information, amino acid conservation, physicochemical variation, residue mobility, and thermodynamic stability) performed at Invitae indicates that this missense variant is not expected to disrupt KMT2A protein function. This variant has not been reported in the literature in individuals affected with KMT2A-related conditions. This variant is not present in population databases (gnomAD no frequency). This sequence change replaces asparagine, which is neutral and polar, with serine, which is neutral and polar, at codon 2779 of the KMT2A protein (p.Asn2779Ser). In summary, the available evidence is currently insufficient to determine the role of this variant in disease. Therefore, it has been classified as a Variant of Uncertain Significance.

GeneDx
Classification: Uncertain significance. Last evaluated: 2022-11-16. Review status: criteria provided, single submitter. Criteria: GeneDx Variant Classification Process June 2021. Collection method: clinical testing. Allele origin: germline. Affected: yes.
Comment: Not observed at significant frequency in large population cohorts (gnomAD); In silico analysis supports that this missense variant does not alter protein structure/function; Has not been previously published as pathogenic or benign to our knowledge